The following is an entry in ClinVar:

NM_001375524.1(TRRAP):c.8239C>A (p.Pro2747Thr)

Gene: TRRAP (transformation/transcription domain associated protein; plus strand). Cytogenetic location: 7q22.1.
Variant type: single nucleotide variant.
Coding change: c.8239C>A on transcript NM_001375524.1 (MANE Select); coding-DNA position 8239, C replaced by A.
Protein change: p.Pro2747Thr; replaces proline 2747 with threonine.
Molecular consequence: missense variant.
Genome position (GRCh38, 1-based): chr7:98,976,762, C>A. VCF-style: chr7-98976762-C-A. GRCh37 (hg19) VCF-style: chr7-98574385-C-A.
Other names: c.8218C>A, p.Pro2740Thr (NM_001244580.2); c.8164C>A, p.Pro2722Thr (NM_003496.4); short protein forms P2722T, P2740T, P2747T.
Identifiers: ClinVar variation 2996873 (VCV002996873.3), dbSNP rs781183738, ClinGen allele CA4361351.

ClinVar aggregate classification (germline): Uncertain significance (1 of 4 stars; one submission).

Allele frequency attached by ClinVar (database versions not stated): gnomAD 0.00001; TOPMed 0.00001.

Submission:

Labcorp Genetics (formerly Invitae), Labcorp
Classification: Uncertain significance. Last evaluated: 2023-11-27. Review status: criteria provided, single submitter. Criteria: Invitae Variant Classification Sherloc (09022015). Collection method: clinical testing. Allele origin: germline.
Comment: This sequence change replaces proline, which is neutral and non-polar, with threonine, which is neutral and polar, at codon 2722 of the TRRAP protein (p.Pro2722Thr). This variant is present in population databases (rs781183738, gnomAD 0.02%). This variant has not been reported in the literature in individuals affected with TRRAP-related conditions. Advanced modeling of protein sequence and biophysical properties (such as structural, functional, and spatial information, amino acid conservation, physicochemical variation, residue mobility, and thermodynamic stability) performed at Invitae indicates that this missense variant is not expected to disrupt TRRAP protein function with a negative predictive value of 80%. In summary, the available evidence is currently insufficient to determine the role of this variant in disease. Therefore, it has been classified as a Variant of Uncertain Significance.